The following is an entry in ClinVar:

ClinVar aggregate classification (germline): Uncertain significance (1 of 4 stars; one submission).

Conditions:
Bloom syndrome (BLM). Also called: Bloom-Torre-Machacek syndrome. Identifiers: Orphanet 125, MedGen C0005859, MONDO:0008876, OMIM 210900.

Submission:

Labcorp Genetics (formerly Invitae), Labcorp
Classification: Uncertain significance for Bloom syndrome. Last evaluated: 2021-08-09. Review status: criteria provided, single submitter. Criteria: Invitae Variant Classification Sherloc (09022015). Collection method: clinical testing. Allele origin: germline.
Comment: This sequence change falls in intron 12 of the BLM gene. It does not directly change the encoded amino acid sequence of the BLM protein. This variant is not present in population databases (ExAC no frequency). This variant has not been reported in the literature in individuals affected with BLM-related conditions. Algorithms developed to predict the effect of sequence changes on RNA splicing suggest that this variant may create or strengthen a splice site. In summary, the available evidence is currently insufficient to determine the role of this variant in disease. Therefore, it has been classified as a Variant of Uncertain Significance.

NM_000057.4(BLM):c.2556-18T>G

Gene: BLM (BLM RecQ like helicase; plus strand). Cytogenetic location: 15q26.1.
Variant type: single nucleotide variant.
Coding change: c.2556-18T>G on transcript NM_000057.4 (MANE Select); 18 bases into the intron before coding-DNA position 2556, T replaced by G.
Molecular consequence: intron variant.
Genome position (GRCh38, 1-based): chr15:90,782,804, T>G. VCF-style: chr15-90782804-T-G. GRCh37 (hg19) VCF-style: chr15-91326034-T-G.
Other names: c.2556-18T>G (NM_001287246.2, NM_001287247.2); c.1431-18T>G (NM_001287248.2).
Identifiers: ClinVar variation 1521709 (VCV001521709.6), dbSNP rs2151177989, ClinGen allele CA2573151397.